The following is an entry in ClinVar:

NM_001077525.3(MTMR14):c.1236-3T>A

Gene: MTMR14 (myotubularin related protein 14; plus strand). Cytogenetic location: 3p25.3.
Variant type: single nucleotide variant.
Coding change: c.1236-3T>A on transcript NM_001077525.3 (MANE Select); 3 bases into the intron before coding-DNA position 1236, T replaced by A.
Molecular consequence: intron variant.
Genome position (GRCh38, 1-based): chr3:9,688,693, T>A. VCF-style: chr3-9688693-T-A. GRCh37 (hg19) VCF-style: chr3-9730377-T-A.
Other names: c.1305-3T>A (NM_001400518.1, NM_001400521.1); c.1230-3T>A (NM_001400526.1); c.594-3T>A (NM_001400542.1, NM_001400534.1, NM_001400541.1 and 7 more transcripts); c.1236-3T>A (NM_001077526.3, NM_022485.5); c.1161-3T>A (NM_001400520.1, NM_001400523.1, NM_001400528.1); c.375-3T>A (NM_001400547.1, NM_001400548.1, NM_001400544.1 and 1 more transcripts); c.1233-3T>A (NM_001400519.1, NM_001400522.1); c.519-3T>A (NM_001400538.1, NM_001400549.1); and 5 more.
Identifiers: ClinVar variation 2895314 (VCV002895314.3), dbSNP rs1185043339, ClinGen allele CA540866743.

ClinVar aggregate classification (germline): Uncertain significance (1 of 4 stars; one submission).

Allele frequency attached by ClinVar (database versions not stated): gnomAD exomes below 0.00001; TOPMed 0.00002.
gnomAD v4.1: 4 of 1,614,152 alleles (0.00025%); highest among the groups gnomAD compares: African/African-American, 0.0053%; no homozygotes.

Submission:

Labcorp Genetics (formerly Invitae), Labcorp
Classification: Uncertain significance. Last evaluated: 2022-11-03. Review status: criteria provided, single submitter. Criteria: Invitae Variant Classification Sherloc (09022015). Collection method: clinical testing. Allele origin: germline.
Comment: This sequence change falls in intron 14 of the MTMR14 gene. It does not directly change the encoded amino acid sequence of the MTMR14 protein. It affects a nucleotide within the consensus splice site. This variant is present in population databases (no rsID available, gnomAD 0.007%). This variant has not been reported in the literature in individuals affected with MTMR14-related conditions. Variants that disrupt the consensus splice site are a relatively common cause of aberrant splicing (PMID: 17576681, 9536098). Algorithms developed to predict the effect of sequence changes on RNA splicing suggest that this variant is not likely to affect RNA splicing. In summary, the available evidence is currently insufficient to determine the role of this variant in disease. Therefore, it has been classified as a Variant of Uncertain Significance.

Literature cited by the submitters: PubMed 17576681; PubMed 9536098.